The following is an entry in ClinVar:

ClinVar aggregate classification (germline): Uncertain significance (1 of 4 stars; one submission).

Conditions:
Hereditary cancer-predisposing syndrome. Also called: Neoplastic Syndromes, Hereditary; Tumor predisposition; Hereditary neoplastic syndrome; Hereditary Cancer Syndrome. Identifiers: Orphanet 140162, MedGen C0027672, MeSH D009386, MONDO:0015356.

Submission:

Ambry Genetics
Classification: Uncertain significance for Hereditary cancer-predisposing syndrome. Last evaluated: 2018-01-15. Review status: criteria provided, single submitter. Criteria: Ambry Variant Classification Scheme 2023. Collection method: clinical testing. Allele origin: germline.
Comment: The c.3387dupC variant, located in coding exon 21 of the TSC1 gene, results from a duplication of C at nucleotide position 3387, causing a translational frameshift with a predicted alternate stop codon (p.K1130Qfs*29). Frameshifts are typically deleterious in nature, however, this frameshift occurs at the 3' terminus of TSC1, is not expected to trigger nonsense-mediated mRNA decay, and impacts only the last 35 amino acids of the protein. The exact functional impact of these altered amino acids is unknown at this time. Since supporting evidence is limited at this time, the clinical significance of this alteration remains unclear.

NM_000368.5(TSC1):c.3387dup (p.Lys1130fs)

Gene: TSC1 (TSC complex subunit 1; minus strand). Cytogenetic location: 9q34.13.
Variant type: Duplication.
Coding change: c.3387dup on transcript NM_000368.5 (MANE Select); coding-DNA position 3387, one base duplicated (C; older notation c.3387dupC).
Protein change: p.Lys1130fs; shifts the reading frame from lysine 1130.
Molecular consequence: frameshift variant.
Genome position (GRCh38, 1-based): chr9:132,896,343, G duplicated on the plus strand (C on the coding strand, the reverse complement: TSC1 is on the minus strand); the first of 2 consecutive G bases (chr9:132,896,343-132,896,344); duplicating either gives the same sequence. VCF-style (leftmost placement, unchanged base first): chr9-132896342-T-TG. GRCh37 (hg19) VCF-style: chr9-135771729-T-TG.
Other names: c.3384dup, p.Lys1129fs (NM_001162426.2); c.3234dup, p.Lys1079fs (NM_001162427.2); c.3024dup, p.Lys1009fs (NM_001362177.2); short protein forms K1079fs, K1129fs, K1130fs, K1009fs.
Identifiers: ClinVar variation 823704 (VCV000823704.4), dbSNP rs1588286388, ClinGen allele CA915947218.